The following is an entry in ClinVar:

ClinVar aggregate classification (germline): Uncertain significance (1 of 4 stars; one submission).

Conditions:
Nephronophthisis 15 (NPHP15). Identifiers: Orphanet 3156, MedGen C3541853, MONDO:0013917, OMIM 614845.

Submission:

Labcorp Genetics (formerly Invitae), Labcorp
Classification: Uncertain significance for Nephronophthisis 15. Last evaluated: 2021-09-01. Review status: criteria provided, single submitter. Criteria: Invitae Variant Classification Sherloc (09022015). Collection method: clinical testing. Allele origin: germline.
Comment: This sequence change replaces arginine with glycine at codon 1007 of the CEP164 protein (p.Arg1007Gly). The arginine residue is moderately conserved and there is a moderate physicochemical difference between arginine and glycine. This variant is not present in population databases (ExAC no frequency). This variant has not been reported in the literature in individuals affected with CEP164-related conditions. Algorithms developed to predict the effect of missense changes on protein structure and function (SIFT, PolyPhen-2, Align-GVGD) all suggest that this variant is likely to be disruptive. In summary, the available evidence is currently insufficient to determine the role of this variant in disease. Therefore, it has been classified as a Variant of Uncertain Significance.

NM_014956.5(CEP164):c.3019C>G (p.Arg1007Gly)

Gene: CEP164 (centrosomal protein 164; plus strand). Cytogenetic location: 11q23.3.
Variant type: single nucleotide variant.
Coding change: c.3019C>G on transcript NM_014956.5 (MANE Select); coding-DNA position 3019, C replaced by G.
Protein change: p.Arg1007Gly; replaces arginine 1007 with glycine.
Molecular consequence: missense variant.
Genome position (GRCh38, 1-based): chr11:117,395,652, C>G. VCF-style: chr11-117395652-C-G. GRCh37 (hg19) VCF-style: chr11-117266368-C-G.
Other names: c.3028C>G, p.Arg1010Gly (NM_001271933.2); short protein forms R1007G, R1010G.
Identifiers: ClinVar variation 1397083 (VCV001397083.5), dbSNP rs115387935, ClinGen allele CA382731983.
Genomic context (GRCh38, chr11:117,395,652, plus strand): 5'-CACACCCACCTGTTGCAGTCAAACCAGCAGCTCCGAGAAATTCTTGATGAGCTGCAGGCC[C>G]GCAAGCTGAAGCTGGAGTCCCAAGTGGATCTGCTGCAGGCTCAGAGCCAGCAACTGCAGA-3'
Protein context (NP_055771.4, residues 997-1017): LREILDELQA[Arg1007Gly]KLKLESQVDL